The following is an entry in ClinVar:

ClinVar aggregate classification (germline): Uncertain significance (1 of 4 stars; one submission).

Conditions:
Telangiectasia, hereditary hemorrhagic, type 5 (HHT5). Identifiers: Orphanet 774, MedGen C3809710, MONDO:0014217, OMIM 615506.

gnomAD v4.1: 1 of 1,613,698 alleles (0.000062%); highest among the groups gnomAD compares: Non-Finnish European, 0.000085%; no homozygotes.

Submission:

ARUP Laboratories, Molecular Genetics and Genomics, ARUP Laboratories
Classification: Uncertain significance for Telangiectasia, hereditary hemorrhagic, type 5. Last evaluated: 2024-07-11. Review status: criteria provided, single submitter. Criteria: ARUP Molecular Germline Variant Investigation Process 2024. Collection method: clinical testing. Allele origin: germline.
Comment: The GDF2 c.395T>C; p.Ile132Thr variant (rs782024378), to our knowledge, is not reported in the medical literature or gene specific databases. This variant is only found on one allele in the Genome Aggregation Database (v2.1.1), indicating it is not a common polymorphism. Computational analyses predict that this variant is neutral (REVEL: 0.098). Due to limited information, the clinical significance of this variant is uncertain at this time.

NM_016204.4(GDF2):c.395T>C (p.Ile132Thr)

Gene: GDF2 (growth differentiation factor 2; plus strand). Cytogenetic location: 10q11.22.
Variant type: single nucleotide variant.
Coding change: c.395T>C on transcript NM_016204.4 (MANE Select); coding-DNA position 395, T replaced by C.
Protein change: p.Ile132Thr; replaces isoleucine 132 with threonine.
Molecular consequence: missense variant.
Genome position (GRCh38, 1-based): chr10:47,324,889, T>C. VCF-style: chr10-47324889-T-C. GRCh37 (hg19) VCF-style: chr10-48414473-A-G.
Other names: short protein forms I132T.
Identifiers: ClinVar variation 3766713 (VCV003766713.1).
Genomic context (GRCh38, chr10:47,324,889, plus strand): 5'-TTTGCATTTCAGATGCCATCTCCATAACTGCCACAGAGGACTTCCCCTTCCAGAAGCACA[T>C]CTTGCTCTTCAACATCTCCATTCCTAGGCATGAGCAGATCACCAGAGCTGAGCTCCGACT-3'
Protein context (NP_057288.1, residues 122-142): ATEDFPFQKH[Ile132Thr]LLFNISIPRH